The following is an entry in ClinVar:

NM_001122630.2(CDKN1C):c.193C>T (p.Arg65Cys)

Gene: CDKN1C (cyclin dependent kinase inhibitor 1C; minus strand). Cytogenetic location: 11p15.4.
Variant type: single nucleotide variant.
Coding change: c.193C>T on transcript NM_001122630.2 (MANE Select); coding-DNA position 193, C replaced by T.
Protein change: p.Arg65Cys; replaces arginine 65 with cysteine.
Molecular consequence: missense variant.
Genome position (GRCh38, 1-based): chr11:2,885,264, G>A on the plus strand (C>T on the coding strand, the complement: CDKN1C is on the minus strand). VCF-style: chr11-2885264-G-A. GRCh37 (hg19) VCF-style: chr11-2906494-G-A.
Other names: c.226C>T, p.Arg76Cys (NM_000076.2, NM_001362474.2, LRG_533t1); c.193C>T, p.Arg65Cys (NM_001122631.2, NM_001362475.2); short protein forms R76C, R65C.
Identifiers: ClinVar variation 524709 (VCV000524709.14), dbSNP rs750526402, ClinGen allele CA5822222.

ClinVar aggregate classification (germline): Uncertain significance. Review status: criteria provided, multiple submitters, no conflicts (2 of 4 stars). 4 submissions from 4 submitters: Uncertain significance (4). Last evaluated 2025-11-05.

Conditions:
Beckwith-Wiedemann syndrome (BWS). Also called: EMG SYNDROME; Exomphalos macroglossia gigantism syndrome. Identifiers: Orphanet 116, MedGen C0004903, MONDO:0007534, OMIM 130650.
IMAGe syndrome. Also called: Intrauterine growth retardation, metaphyseal dysplasia, adrenal hypoplasia congenita, and genital anomalies; Intrauterine Growth Restriction, Metaphyseal Dysplasia, Adrenal Hypoplasia Congenita, and Genital Anomalies. Identifiers: Orphanet 85173, MedGen C1846009, MONDO:0013873, OMIM 614732.
Inborn genetic diseases. Identifiers: MedGen C0950123, MeSH D030342.

Allele frequency attached by ClinVar (database versions not stated): gnomAD 0.00002; TOPMed 0.00002; gnomAD exomes 0.00003 and 0.00004; ExAC 0.00009.

Submissions (4):

Labcorp Genetics (formerly Invitae), Labcorp
Classification: Uncertain significance for Beckwith-Wiedemann syndrome. Last evaluated: 2025-11-05. Review status: criteria provided, single submitter. Criteria: Invitae Variant Classification Sherloc (09022015). Collection method: clinical testing. Allele origin: germline.
Comment: This sequence change replaces arginine, which is basic and polar, with cysteine, which is neutral and slightly polar, at codon 76 of the CDKN1C protein (p.Arg76Cys). The frequency data for this variant in the population databases is considered unreliable, as metrics indicate poor data quality at this position in the gnomAD database. This variant has not been reported in the literature in individuals affected with CDKN1C-related conditions. ClinVar contains an entry for this variant (Variation ID: 524709). Invitae Evidence Modeling of protein sequence and biophysical properties (such as structural, functional, and spatial information, amino acid conservation, physicochemical variation, residue mobility, and thermodynamic stability) has been performed for this missense variant. However, the output from this modeling did not meet the statistical confidence thresholds required to predict the impact of this variant on CDKN1C protein function. In summary, the available evidence is currently insufficient to determine the role of this variant in disease. Therefore, it has been classified as a Variant of Uncertain Significance.

Fulgent Genetics
Classification: Uncertain significance for Beckwith-Wiedemann syndrome; IMAGe syndrome. Last evaluated: 2024-01-10. Review status: criteria provided, single submitter. Criteria: ACMG Guidelines, 2015. Collection method: clinical testing. Allele origin: germline.

Ambry Genetics
Classification: Uncertain significance for Inborn genetic diseases. Last evaluated: 2021-11-15. Review status: criteria provided, single submitter. Criteria: Ambry Variant Classification Scheme 2023. Collection method: clinical testing. Allele origin: germline.

GeneDx
Classification: Uncertain significance. Last evaluated: 2019-10-13. Review status: criteria provided, single submitter. Criteria: GeneDx Variant Classification Process June 2021. Collection method: clinical testing. Allele origin: germline. Affected: yes.
Comment: Has not been previously published as pathogenic or benign to our knowledge; In silico analysis, which includes protein predictors and evolutionary conservation, supports a deleterious effect